The following is an entry in ClinVar:

ClinVar aggregate classification (germline): Uncertain significance (1 of 4 stars; one submission).

Conditions:
Torsion dystonia 6 (DYT6). Also called: DYT-THAP1. Identifiers: Orphanet 98806, MedGen C1414216, MONDO:0011264, OMIM 602629.

Submission:

Labcorp Genetics (formerly Invitae), Labcorp
Classification: Uncertain significance for Torsion dystonia 6. Last evaluated: 2024-11-24. Review status: criteria provided, single submitter. Criteria: Invitae Variant Classification Sherloc (09022015). Collection method: clinical testing. Allele origin: germline.
Comment: This sequence change replaces asparagine, which is neutral and polar, with histidine, which is basic and polar, at codon 128 of the THAP1 protein (p.Asn128His). This variant is not present in population databases (gnomAD no frequency). This variant has not been reported in the literature in individuals affected with THAP1-related conditions. An algorithm developed to predict the effect of missense changes on protein structure and function (PolyPhen-2) suggests that this variant is likely to be tolerated. In summary, the available evidence is currently insufficient to determine the role of this variant in disease. Therefore, it has been classified as a Variant of Uncertain Significance.

NM_018105.3(THAP1):c.382A>C (p.Asn128His)

Gene: THAP1 (THAP domain containing 1; minus strand). Cytogenetic location: 8p11.21.
Variant type: single nucleotide variant.
Coding change: c.382A>C on transcript NM_018105.3 (MANE Select); coding-DNA position 382, A replaced by C.
Protein change: p.Asn128His; replaces asparagine 128 with histidine.
Molecular consequence: missense variant. On other transcripts: 3 prime UTR variant (1).
Genome position (GRCh38, 1-based): chr8:42,838,222, T>G on the plus strand (A>C on the coding strand, the complement: THAP1 is on the minus strand). VCF-style: chr8-42838222-T-G. GRCh37 (hg19) VCF-style: chr8-42693365-T-G.
Other names: c.*24A>C (NM_199003.2); short protein forms N128H.
Identifiers: ClinVar variation 3630591 (VCV003630591.2).